The following is an entry in ClinVar:

ClinVar aggregate classification (germline): Benign. Review status: criteria provided, multiple submitters, no conflicts (2 of 4 stars). 4 submissions from 3 submitters: Benign (4). Last evaluated 2026-02-02.

Conditions:
Alopecia universalis congenita (ALUNC). Also called: ATRICHIA, GENERALIZED. Identifiers: Orphanet 701, MedGen C1859877, MONDO:0008757, OMIM 203655.
Atrichia with papular lesions (APL). Also called: PAPULAR ATRICHIA. Identifiers: Orphanet 86819, MedGen C1859592, MONDO:0008847, OMIM 209500.

Allele frequency attached by ClinVar (database versions not stated): gnomAD exomes 0.04455; ExAC 0.04946; gnomAD 0.10926 and 0.11568; 1000 Genomes Project 0.11302; 1000 Genomes Project 30x 0.11805; TOPMed 0.12364; ESP Exome Variant Server 0.12544.
gnomAD v4.1: 56,353 of 1,613,446 alleles (3.5%); highest among the groups gnomAD compares: African/African-American, 33%; 4,779 homozygotes.

Submissions (29):

Labcorp Genetics (formerly Invitae), Labcorp
Classification: Benign. Last evaluated: 2026-02-02. Review status: criteria provided, single submitter. Criteria: Invitae Variant Classification Sherloc (09022015). Collection method: clinical testing. Allele origin: germline.

Illumina Laboratory Services, Illumina
Classification: Benign for Alopecia universalis congenita. Last evaluated: 2018-01-13. Review status: criteria provided, single submitter. Criteria: ICSL Variant Classification Criteria 13 December 2019. Collection method: clinical testing. Allele origin: germline.
Comment: This variant was observed in the ICSL laboratory as part of a predisposition screen in an ostensibly healthy population. It had not been previously curated by ICSL or reported in the Human Gene Mutation Database (HGMD: prior to June 1st, 2018), and was therefore a candidate for classification through an automated scoring system. Utilizing variant allele frequency, disease prevalence and penetrance estimates, and inheritance mode, an automated score was calculated to assess if this variant is too frequent to cause the disease. Based on the score and internal cut-off values, a variant classified as benign is not then subjected to further curation. The score for this variant resulted in a classification of benign for this disease.

Illumina Laboratory Services, Illumina
Classification: Benign for Atrichia with papular lesions. Last evaluated: 2018-01-13. Review status: criteria provided, single submitter. Criteria: ICSL Variant Classification Criteria 13 December 2019. Collection method: clinical testing. Allele origin: germline.
Comment: the same text as in the submission from Illumina Laboratory Services, Illumina above.

Breakthrough Genomics
Classification: Benign. Review status: criteria provided, single submitter. Criteria: ACMG Guidelines, 2015. Collection method: not provided. Allele origin: germline. Inheritance: Autosomal recessive inheritance. Affected: yes.

Dr. Peter K. Rogan Lab, Western University
No classification provided (evidence only). Condition: Melanoma. Review status: no classification provided. Collection method: in vitro. Allele origin: not applicable. Functional consequence: retained intron. Not counted in ClinVar's aggregate classification.

Dr. Peter K. Rogan Lab, Western University
No classification provided (evidence only). Condition: Melanoma. Review status: no classification provided. Collection method: in vitro. Allele origin: not applicable. Functional consequence: retained intron. Not counted in ClinVar's aggregate classification.

Dr. Peter K. Rogan Lab, Western University
No classification provided (evidence only). Condition: Melanoma. Review status: no classification provided. Collection method: in vitro. Allele origin: not applicable. Functional consequence: retained intron. Not counted in ClinVar's aggregate classification.

Dr. Peter K. Rogan Lab, Western University
No classification provided (evidence only). Condition: Melanoma. Review status: no classification provided. Collection method: in vitro. Allele origin: not applicable. Functional consequence: retained intron. Not counted in ClinVar's aggregate classification.

Dr. Peter K. Rogan Lab, Western University
No classification provided (evidence only). Condition: Colon adenocarcinoma. Review status: no classification provided. Collection method: in vitro. Allele origin: not applicable. Functional consequence: retained intron. Not counted in ClinVar's aggregate classification.

Dr. Peter K. Rogan Lab, Western University
No classification provided (evidence only). Condition: Colon adenocarcinoma. Review status: no classification provided. Collection method: in vitro. Allele origin: not applicable. Functional consequence: retained intron. Not counted in ClinVar's aggregate classification.

Dr. Peter K. Rogan Lab, Western University
No classification provided (evidence only). Condition: Colon adenocarcinoma. Review status: no classification provided. Collection method: in vitro. Allele origin: not applicable. Functional consequence: retained intron. Not counted in ClinVar's aggregate classification.

Dr. Peter K. Rogan Lab, Western University
No classification provided (evidence only). Condition: Colon adenocarcinoma. Review status: no classification provided. Collection method: in vitro. Allele origin: not applicable. Functional consequence: retained intron. Not counted in ClinVar's aggregate classification.

Dr. Peter K. Rogan Lab, Western University
No classification provided (evidence only). Condition: Colon adenocarcinoma. Review status: no classification provided. Collection method: in vitro. Allele origin: not applicable. Functional consequence: retained intron. Not counted in ClinVar's aggregate classification.

Dr. Peter K. Rogan Lab, Western University
No classification provided (evidence only). Condition: Colon adenocarcinoma. Review status: no classification provided. Collection method: in vitro. Allele origin: not applicable. Functional consequence: retained intron. Not counted in ClinVar's aggregate classification.

Dr. Peter K. Rogan Lab, Western University
No classification provided (evidence only). Condition: Colorectal cancer. Review status: no classification provided. Collection method: in vitro. Allele origin: not applicable. Functional consequence: retained intron. Not counted in ClinVar's aggregate classification.

Dr. Peter K. Rogan Lab, Western University
No classification provided (evidence only). Condition: Colorectal cancer. Review status: no classification provided. Collection method: in vitro. Allele origin: not applicable. Functional consequence: retained intron. Not counted in ClinVar's aggregate classification.

Dr. Peter K. Rogan Lab, Western University
No classification provided (evidence only). Condition: Thyroid cancer, nonmedullary, 1. Review status: no classification provided. Collection method: in vitro. Allele origin: not applicable. Functional consequence: retained intron. Not counted in ClinVar's aggregate classification.

Dr. Peter K. Rogan Lab, Western University
No classification provided (evidence only). Condition: Thyroid cancer, nonmedullary, 1. Review status: no classification provided. Collection method: in vitro. Allele origin: not applicable. Functional consequence: retained intron. Not counted in ClinVar's aggregate classification.

Dr. Peter K. Rogan Lab, Western University
No classification provided (evidence only). Condition: Thyroid cancer, nonmedullary, 1. Review status: no classification provided. Collection method: in vitro. Allele origin: not applicable. Functional consequence: retained intron. Not counted in ClinVar's aggregate classification.

Dr. Peter K. Rogan Lab, Western University
No classification provided (evidence only). Condition: Thyroid cancer, nonmedullary, 1. Review status: no classification provided. Collection method: in vitro. Allele origin: not applicable. Functional consequence: retained intron. Not counted in ClinVar's aggregate classification.

Dr. Peter K. Rogan Lab, Western University
No classification provided (evidence only). Condition: Thymoma. Review status: no classification provided. Collection method: in vitro. Allele origin: not applicable. Functional consequence: retained intron. Not counted in ClinVar's aggregate classification.

Dr. Peter K. Rogan Lab, Western University
No classification provided (evidence only). Condition: Thymoma. Review status: no classification provided. Collection method: in vitro. Allele origin: not applicable. Functional consequence: retained intron. Not counted in ClinVar's aggregate classification.

Dr. Peter K. Rogan Lab, Western University
No classification provided (evidence only). Condition: Thymoma. Review status: no classification provided. Collection method: in vitro. Allele origin: not applicable. Functional consequence: retained intron. Not counted in ClinVar's aggregate classification.

Dr. Peter K. Rogan Lab, Western University
No classification provided (evidence only). Condition: Malignant tumor of esophagus. Review status: no classification provided. Collection method: in vitro. Allele origin: not applicable. Functional consequence: retained intron. Not counted in ClinVar's aggregate classification.

Dr. Peter K. Rogan Lab, Western University
No classification provided (evidence only). Condition: Malignant tumor of esophagus. Review status: no classification provided. Collection method: in vitro. Allele origin: not applicable. Functional consequence: retained intron. Not counted in ClinVar's aggregate classification.

Dr. Peter K. Rogan Lab, Western University
No classification provided (evidence only). Condition: Malignant tumor of esophagus. Review status: no classification provided. Collection method: in vitro. Allele origin: not applicable. Functional consequence: retained intron. Not counted in ClinVar's aggregate classification.

Dr. Peter K. Rogan Lab, Western University
No classification provided (evidence only). Condition: Malignant tumor of esophagus. Review status: no classification provided. Collection method: in vitro. Allele origin: not applicable. Functional consequence: retained intron. Not counted in ClinVar's aggregate classification.

Dr. Peter K. Rogan Lab, Western University
No classification provided (evidence only). Condition: Malignant tumor of esophagus. Review status: no classification provided. Collection method: in vitro. Allele origin: not applicable. Functional consequence: retained intron. Not counted in ClinVar's aggregate classification.

Dr. Peter K. Rogan Lab, Western University
No classification provided (evidence only). Condition: Malignant tumor of esophagus. Review status: no classification provided. Collection method: in vitro. Allele origin: not applicable. Functional consequence: retained intron. Not counted in ClinVar's aggregate classification.

NM_005144.5(HR):c.2367T>C (p.Ser789=)

Gene: HR (HR lysine demethylase and nuclear receptor corepressor; minus strand). Cytogenetic location: 8p21.3.
Variant type: single nucleotide variant.
Coding change: c.2367T>C on transcript NM_005144.5 (MANE Select); coding-DNA position 2367, T replaced by C.
Protein change: p.Ser789=; no amino-acid change (serine 789 retained).
Molecular consequence: synonymous variant.
Genome position (GRCh38, 1-based): chr8:22,121,065, A>G on the plus strand (T>C on the coding strand, the complement: HR is on the minus strand). VCF-style: chr8-22121065-A-G. GRCh37 (hg19) VCF-style: chr8-21978578-A-G.
Other names: c.2367T>C, p.Ser789= (NM_018411.4).
Identifiers: ClinVar variation 362497 (VCV000362497.11), dbSNP rs58080661, ClinGen allele CA4662138.